The following is an entry in ClinVar:

ClinVar aggregate classification (germline): Uncertain significance (1 of 4 stars; one submission).

Conditions:
Tuberous sclerosis 1 (TSC1). Identifiers: Orphanet 805, MedGen C1854465, MONDO:0008612, OMIM 191100.

Submission:

Labcorp Genetics (formerly Invitae), Labcorp
Classification: Uncertain significance for Tuberous sclerosis 1. Last evaluated: 2021-11-11. Review status: criteria provided, single submitter. Criteria: Invitae Variant Classification Sherloc (09022015). Collection method: clinical testing. Allele origin: germline.
Comment: This sequence change replaces alanine, which is neutral and non-polar, with aspartic acid, which is acidic and polar, at codon 83 of the TSC1 protein (p.Ala83Asp). This variant is not present in population databases (gnomAD no frequency). This variant has not been reported in the literature in individuals affected with TSC1-related conditions. Algorithms developed to predict the effect of missense changes on protein structure and function are either unavailable or do not agree on the potential impact of this missense change (SIFT: "Tolerated"; PolyPhen-2: "Possibly Damaging"; Align-GVGD: "Class C0"). In summary, the available evidence is currently insufficient to determine the role of this variant in disease. Therefore, it has been classified as a Variant of Uncertain Significance.

NM_000368.5(TSC1):c.248C>A (p.Ala83Asp)

Gene: TSC1 (TSC complex subunit 1; minus strand). Cytogenetic location: 9q34.13.
Variant type: single nucleotide variant.
Coding change: c.248C>A on transcript NM_000368.5 (MANE Select); coding-DNA position 248, C replaced by A.
Protein change: p.Ala83Asp; replaces alanine 83 with aspartic acid.
Molecular consequence: missense variant. On other transcripts: intron variant (1), 5 prime UTR variant (1).
Genome position (GRCh38, 1-based): chr9:132,925,702, G>T on the plus strand (C>A on the coding strand, the complement: TSC1 is on the minus strand). VCF-style: chr9-132925702-G-T. GRCh37 (hg19) VCF-style: chr9-135801089-G-T.
Other names: c.210+1499C>A (NM_001162427.2); c.248C>A, p.Ala83Asp (NM_001162426.2); c.-116C>A (NM_001362177.2); short protein forms A83D.
Identifiers: ClinVar variation 1488154 (VCV001488154.6), dbSNP rs1588355749, ClinGen allele CA375374722.
Genomic context (GRCh38, chr9:132,925,702, plus strand): 5'-CAAGATGGCTGCAGTCTTATGACATGACCCAGTAACGAGAGGATGGATAAACGAGTGGCG[G>T]CTTTGCCCACATATTCGTTAATCCTGTCCAAGAGGTGCTGAAAATGTAAAAGAACAAGGG-3'
Protein context (NP_000359.1, residues 73-93): LDRINEYVGK[Ala83Asp]ATRLSILSLL